The following is an entry in ClinVar:

ClinVar aggregate classification (germline): Uncertain significance (1 of 4 stars; one submission).

Submission:

GeneDx
Classification: Uncertain significance. Last evaluated: 2024-08-05. Review status: criteria provided, single submitter. Criteria: GeneDx Variant Classification Process June 2021. Collection method: clinical testing. Allele origin: germline. Affected: yes.
Comment: Not observed at significant frequency in large population cohorts (gnomAD); In silico analysis supports that this missense variant has a deleterious effect on protein structure/function; Has not been previously published as pathogenic or benign to our knowledge

NM_001110556.2(FLNA):c.5096A>T (p.Asp1699Val)

Gene: FLNA (filamin A; minus strand). Cytogenetic location: Xq28.
Variant type: single nucleotide variant.
Coding change: c.5096A>T on transcript NM_001110556.2 (MANE Select); coding-DNA position 5096, A replaced by T.
Protein change: p.Asp1699Val; replaces aspartic acid 1699 with valine.
Molecular consequence: missense variant.
Genome position (GRCh38, 1-based): chrX:154,354,946, T>A on the plus strand (A>T on the coding strand, the complement: FLNA is on the minus strand). VCF-style: chrX-154354946-T-A. GRCh37 (hg19) VCF-style: chrX-153583314-T-A.
Other names: c.5072A>T, p.Asp1691Val (NM_001456.4); short protein forms D1691V, D1699V.
Identifiers: ClinVar variation 3603140 (VCV003603140.1).